The following is an entry in ClinVar:

NM_000059.4(BRCA2):c.9562G>A (p.Asp3188Asn)

Gene: BRCA2 (BRCA2 DNA repair associated; plus strand). Cytogenetic location: 13q13.1.
Variant type: single nucleotide variant.
Coding change: c.9562G>A on transcript NM_000059.4 (MANE Select); coding-DNA position 9562, G replaced by A.
Protein change: p.Asp3188Asn; replaces aspartic acid 3188 with asparagine.
Molecular consequence: missense variant.
Genome position (GRCh38, 1-based): chr13:32,396,958, G>A. VCF-style: chr13-32396958-G-A. GRCh37 (hg19) VCF-style: chr13-32971095-G-A.
Other names: short protein forms D3188N.
Identifiers: ClinVar variation 52868 (VCV000052868.15), dbSNP rs80359226, ClinGen allele CA026210.

ClinVar aggregate classification (germline): Uncertain significance. Review status: criteria provided, multiple submitters, no conflicts (2 of 4 stars). 6 submissions from 6 submitters: Uncertain significance (5). 1 of the submissions does not count toward it. Last evaluated 2025-12-04.

Conditions:
Hereditary breast ovarian cancer syndrome. Also called: Hereditary breast and ovarian cancer syndrome; Hereditary breast and ovarian cancer; Hereditary breast and ovarian cancer syndrome (HBOC); Breast and ovarian cancer; Hereditary breast and/or ovarian cancer syndrome; BRCA1- and BRCA2-Associated Hereditary Breast and Ovarian Cancer. Identifiers: Orphanet 145, MedGen C0677776, MeSH D061325, MONDO:0003582. Disease mechanism: loss of function.
Hereditary cancer-predisposing syndrome. Also called: Neoplastic Syndromes, Hereditary; Tumor predisposition; Hereditary neoplastic syndrome; Hereditary Cancer Syndrome. Identifiers: Orphanet 140162, MedGen C0027672, MeSH D009386, MONDO:0015356.
Breast-ovarian cancer, familial, susceptibility to, 2 (BROVCA2). Also called: BRCA2 Hereditary Breast and Ovarian Cancer. Identifiers: Orphanet 145, MedGen C2675520, MONDO:0012933, OMIM 612555. Disease mechanism: loss of function.

Submissions (6):

Labcorp Genetics (formerly Invitae), Labcorp
Classification: Uncertain significance for Hereditary breast ovarian cancer syndrome. Last evaluated: 2025-12-04. Review status: criteria provided, single submitter. Criteria: Invitae Variant Classification Sherloc (09022015). Collection method: clinical testing. Allele origin: germline.
Comment: This sequence change replaces aspartic acid, which is acidic and polar, with asparagine, which is neutral and polar, at codon 3188 of the BRCA2 protein (p.Asp3188Asn). This variant is not present in population databases (gnomAD no frequency). This missense change has been observed in individual(s) with BRCA2-related conditions (PMID: 10923033). ClinVar contains an entry for this variant (Variation ID: 52868). Invitae Evidence Modeling of protein sequence and biophysical properties (such as structural, functional, and spatial information, amino acid conservation, physicochemical variation, residue mobility, and thermodynamic stability) indicates that this missense variant is not expected to disrupt BRCA2 protein function with a negative predictive value of 95%. In summary, the available evidence is currently insufficient to determine the role of this variant in disease. Therefore, it has been classified as a Variant of Uncertain Significance.

Women's Health and Genetics/Laboratory Corporation of America, LabCorp
Classification: Uncertain significance. Last evaluated: 2025-07-17. Review status: criteria provided, single submitter. Criteria: LabCorp Variant Classification Summary - May 2015. Collection method: clinical testing. Allele origin: germline.
Comment: Variant summary: BRCA2 c.9562G>A (p.Asp3188Asn) results in a conservative amino acid change in the encoded protein sequence. Algorithms developed to predict the effect of missense changes on protein structure and function all suggest that this variant is likely to be tolerated. The variant was absent in 251412 control chromosomes. The available data on variant occurrences in the general population are insufficient to allow any conclusion about variant significance. To our knowledge, no occurrence of c.9562G>A in individuals affected with Hereditary Breast And Ovarian Cancer Syndrome and no experimental evidence demonstrating its impact on protein function have been reported. ClinVar contains an entry for this variant (Variation ID: 52868). Based on the evidence outlined above, the variant was classified as uncertain significance.

ARUP Laboratories, Molecular Genetics and Genomics, ARUP Laboratories
Classification: Uncertain significance. Last evaluated: 2023-04-10. Review status: criteria provided, single submitter. Criteria: ARUP Molecular Germline Variant Investigation Process 2024. Collection method: clinical testing. Allele origin: germline.
Comment: The BRCA2 c.9562G>A; p.Asp3188Asn variant (rs80359226), to our knowledge, is not reported in the medical literature but is reported in ClinVar (Variation ID: 52868). This variant is absent from the Genome Aggregation Database, indicating it is not a common polymorphism. Computational analyses are uncertain whether this variant is neutral or deleterious (REVEL: 0.317). Due to limited information, the clinical significance of this variant is uncertain at this time.

GeneDx
Classification: Uncertain significance. Last evaluated: 2021-03-24. Review status: criteria provided, single submitter. Criteria: GeneDx Variant Classification Process June 2021. Collection method: clinical testing. Allele origin: germline. Affected: yes.
Comment: Not observed in large population cohorts (Lek et al., 2016); In silico analysis supports that this missense variant does not alter protein structure/function; Has not been previously published as pathogenic or benign to our knowledge; Also known as 9790G>A

Ambry Genetics
Classification: Uncertain significance for Hereditary cancer-predisposing syndrome. Last evaluated: 2020-03-04. Review status: criteria provided, single submitter. Criteria: Ambry Variant Classification Scheme 2023. Collection method: clinical testing. Allele origin: germline.
Comment: The p.D3188N variant (also known as c.9562G>A), located in coding exon 25 of the BRCA2 gene, results from a G to A substitution at nucleotide position 9562. The aspartic acid at codon 3188 is replaced by asparagine, an amino acid with highly similar properties. Using a computational method that produces a probabilistic likelihood ratio predictive of whether a missense variant impairs protein function, this alteration is predicted to be neutral (Karchin R et al. Cancer Inform. 2008;6:203-16). This amino acid position is not well conserved in available vertebrate species. In addition, this alteration is predicted to be tolerated by in silico analysis. Since supporting evidence is limited at this time, the clinical significance of this alteration remains unclear.

Breast Cancer Information Core (BIC) (BRCA2)
Classification: Uncertain significance for Breast-ovarian cancer, familial 2. Last evaluated: 2004-02-20. Review status: no assertion criteria provided. Collection method: clinical testing. Allele origin: germline. Affected: yes. Observed: 1 variant allele. Not counted in ClinVar's aggregate classification.

Literature cited by the submitters: PubMed 10923033 (cited by Labcorp Genetics (formerly Invitae), Labcorp); PubMed 19043619 (cited by Women's Health and Genetics/Laboratory Corporation of America, LabCorp and Ambry Genetics); PubMed 23704879 (cited by Women's Health and Genetics/Laboratory Corporation of America, LabCorp).